The following is an entry in ClinVar:

NM_005732.4(RAD50):c.2683T>G (p.Ser895Ala)

Gene: RAD50 (RAD50 double strand break repair protein; plus strand). Cytogenetic location: 5q31.1.
Variant type: single nucleotide variant.
Coding change: c.2683T>G on transcript NM_005732.4 (MANE Select); coding-DNA position 2683, T replaced by G.
Protein change: p.Ser895Ala; replaces serine 895 with alanine.
Molecular consequence: missense variant.
Genome position (GRCh38, 1-based): chr5:132,604,964, T>G. VCF-style: chr5-132604964-T-G. GRCh37 (hg19) VCF-style: chr5-131940656-T-G.
Other names: short protein forms S895A.
Identifiers: ClinVar variation 4677799 (VCV004677799.1).

ClinVar aggregate classification (germline): Uncertain significance (1 of 4 stars; one submission).

Conditions:
Hereditary cancer-predisposing syndrome. Also called: Neoplastic Syndromes, Hereditary; Tumor predisposition; Hereditary Cancer Syndrome; Hereditary neoplastic syndrome. Identifiers: Orphanet 140162, MedGen C0027672, MeSH D009386, MONDO:0015356.

Submission:

Ambry Genetics
Classification: Uncertain significance for Hereditary cancer-predisposing syndrome. Last evaluated: 2025-09-19. Review status: criteria provided, single submitter. Criteria: Ambry Variant Classification Scheme 2023. Collection method: clinical testing. Allele origin: germline.
Comment: The p.S895A variant (also known as c.2683T>G), located in coding exon 16 of the RAD50 gene, results from a T to G substitution at nucleotide position 2683. The serine at codon 895 is replaced by alanine, an amino acid with similar properties. This amino acid position is conserved. In addition, this alteration is predicted to be tolerated by in silico analysis. Based on the available evidence, the clinical significance of this variant remains unclear.